The following is an entry in ClinVar:

ClinVar aggregate classification (germline): Uncertain significance (1 of 4 stars; one submission).

Submission:

Labcorp Genetics (formerly Invitae), Labcorp
Classification: Uncertain significance. Last evaluated: 2021-11-02. Review status: criteria provided, single submitter. Criteria: Invitae Variant Classification Sherloc (09022015). Collection method: clinical testing. Allele origin: germline.
Comment: Algorithms developed to predict the effect of missense changes on protein structure and function are either unavailable or do not agree on the potential impact of this missense change (SIFT: "Not Available"; PolyPhen-2: "Benign"; Align-GVGD: "Not Available"). In summary, the available evidence is currently insufficient to determine the role of this variant in disease. Therefore, it has been classified as a Variant of Uncertain Significance. This variant has not been reported in the literature in individuals affected with MCPH1-related conditions. This variant is not present in population databases (gnomAD no frequency). This sequence change replaces serine, which is neutral and polar, with proline, which is neutral and non-polar, at codon 191 of the MCPH1 protein (p.Ser191Pro).

NM_024596.5(MCPH1):c.571T>C (p.Ser191Pro)

Gene: MCPH1 (microcephalin 1; plus strand). Cytogenetic location: 8p23.1.
Variant type: single nucleotide variant.
Coding change: c.571T>C on transcript NM_024596.5 (MANE Select); coding-DNA position 571, T replaced by C.
Protein change: p.Ser191Pro; replaces serine 191 with proline.
Molecular consequence: missense variant. On other transcripts: non-coding transcript variant (1), intron variant (1).
Genome position (GRCh38, 1-based): chr8:6,439,087, T>C. VCF-style: chr8-6439087-T-C. GRCh37 (hg19) VCF-style: chr8-6296608-T-C.
Other names: c.571T>C, p.Ser191Pro (NM_001172574.2, NM_001322042.2, NM_001363979.1 and 1 more transcripts); c.565T>C, p.Ser189Pro (NM_001322043.2); c.469T>C, p.Ser157Pro (NM_001322045.2); c.436+2925T>C (NM_001172575.2); short protein forms S189P, S157P, S191P.
Identifiers: ClinVar variation 1390959 (VCV001390959.6), dbSNP rs2129554944, ClinGen allele CA370218723.